The following is an entry in ClinVar:

ClinVar aggregate classification (germline): Conflicting classifications of pathogenicity. Review status: criteria provided, conflicting classifications (1 of 4 stars). 2 submissions from 2 submitters: Uncertain significance (1); Likely benign (1). Last evaluated 2025-04-22.

Conditions:
Arrhythmogenic right ventricular dysplasia 8 (ARVD8). Also called: Arrhythmogenic Right Ventricular Dysplasia/Cardiomyopathy 8; ARRHYTHMOGENIC RIGHT VENTRICULAR DYSPLASIA, FAMILIAL, 8; ARRHYTHMOGENIC RIGHT VENTRICULAR CARDIOMYOPATHY 8. Identifiers: MedGen C1843896, MONDO:0011831, OMIM 607450.
Arrhythmogenic cardiomyopathy with wooly hair and keratoderma. Also called: Dilated cardiomyopathy with woolly hair and keratoderma; Arrhythmogenic cardiomyopathy with woolly hair and keratoderma; PALMOPLANTAR KERATODERMA WITH LEFT VENTRICULAR CARDIOMYOPATHY AND WOOLLY HAIR; Carvajal syndrome. Identifiers: Orphanet 65282, MedGen C1854063, MONDO:0011581, OMIM 605676.

Allele frequency attached by ClinVar (database versions not stated): ExAC below 0.00001; TOPMed below 0.00001.
gnomAD v4.1: 24 of 1,554,844 alleles (0.0015%); highest among the groups gnomAD compares: Non-Finnish European, 0.0018%; no homozygotes.

Submissions (2):

Labcorp Genetics (formerly Invitae), Labcorp
Classification: Likely benign for Arrhythmogenic cardiomyopathy with wooly hair and keratoderma; Arrhythmogenic right ventricular dysplasia 8. Last evaluated: 2025-04-22. Review status: criteria provided, single submitter. Criteria: Invitae Variant Classification Sherloc (09022015). Collection method: clinical testing. Allele origin: germline.

Laboratory for Molecular Medicine, Mass General Brigham Personalized Medicine
Classification: Uncertain significance. Last evaluated: 2014-03-14. Review status: criteria provided, single submitter. Criteria: LMM Criteria. Collection method: clinical testing. Allele origin: germline. Observed: 1 variant allele.
Comment: Variant classified as Uncertain Significance - Favor Benign. The 170+11G>T varia nt in DSP has not been previously reported in individuals with cardiomyopathy an d data from large population studies is insufficient to assess the frequency of this variant. Additional information is needed to fully assess the clinical sign ificance of the 170+11G>T variant.

NM_004415.4(DSP):c.170+11G>T

Genes: DSP-AS1 (DSP antisense RNA 1; minus strand), DSP (desmoplakin; plus strand). Cytogenetic location: 6p24.3.
Variant type: single nucleotide variant.
Coding change: c.170+11G>T on transcript NM_004415.4 (MANE Select); 11 bases into the intron after coding-DNA position 170, G replaced by T.
Molecular consequence: intron variant.
Genome position (GRCh38, 1-based): chr6:7,542,096, G>T. VCF-style: chr6-7542096-G-T. GRCh37 (hg19) VCF-style: chr6-7542329-G-T.
Other names: c.170+11G>T (NM_001319034.2, NM_001008844.3).
Identifiers: ClinVar variation 179633 (VCV000179633.7), dbSNP rs727505007, ClinGen allele CA005103.
Genomic context (GRCh38, chr6:7,542,096, plus strand): 5'-TACTATTCTCGGCGCGGCGTGATCACCGACCAGAACTCGGACGGCTACTGGTGGGTACCT[G>T]CCCGGAGAGCGCGGGCTGCGGGGCTCGCGGGACAGGGAGGGACCGTCCTCCTCTGGACGA-3'